The following is an entry in ClinVar:

ClinVar aggregate classification (germline): Uncertain significance (1 of 4 stars; one submission).

Submission:

Labcorp Genetics (formerly Invitae), Labcorp
Classification: Uncertain significance. Last evaluated: 2025-05-12. Review status: criteria provided, single submitter. Criteria: Invitae Variant Classification Sherloc (09022015). Collection method: clinical testing. Allele origin: germline.
Comment: This sequence change replaces glutamic acid, which is acidic and polar, with glutamine, which is neutral and polar, at codon 104 of the IL23R protein (p.Glu104Gln). This variant is not present in population databases (gnomAD no frequency). This variant has not been reported in the literature in individuals affected with IL23R-related conditions. An algorithm developed to predict the effect of missense changes on protein structure and function (PolyPhen-2) suggests that this variant is likely to be disruptive. In summary, the available evidence is currently insufficient to determine the role of this variant in disease. Therefore, it has been classified as a Variant of Uncertain Significance.

NM_144701.3(IL23R):c.310G>C (p.Glu104Gln)

Gene: IL23R (interleukin 23 receptor; plus strand). Cytogenetic location: 1p31.3.
Variant type: single nucleotide variant.
Coding change: c.310G>C on transcript NM_144701.3 (MANE Select); coding-DNA position 310, G replaced by C.
Protein change: p.Glu104Gln; replaces glutamic acid 104 with glutamine.
Molecular consequence: missense variant.
Genome position (GRCh38, 1-based): chr1:67,169,581, G>C. VCF-style: chr1-67169581-G-C. GRCh37 (hg19) VCF-style: chr1-67635264-G-C.
Other names: short protein forms E104Q.
Identifiers: ClinVar variation 4718989 (VCV004718989.1).